The following is an entry in ClinVar:

ClinVar aggregate classification (germline): Pathogenic (1 of 4 stars; one submission).

Conditions:
Hyperammonemia, type III (NAGSD). Also called: Hyperammonemia due to N-acetylglutamate synthase deficiency. Identifiers: Orphanet 927, MedGen C0268543, MONDO:0009377, OMIM 237310.

Submission:

Labcorp Genetics (formerly Invitae), Labcorp
Classification: Pathogenic for Hyperammonemia, type III. Last evaluated: 2021-01-20. Review status: criteria provided, single submitter. Criteria: Invitae Variant Classification Sherloc (09022015). Collection method: clinical testing. Allele origin: germline.
Comment: For these reasons, this variant has been classified as Pathogenic. This variant has not been reported in the literature in individuals with NAGS-related conditions. The frequency data for this variant in the population databases is considered unreliable, as metrics indicate insufficient coverage at this position in the ExAC database. This sequence change creates a premature translational stop signal (p.Arg47Alafs*64) in the NAGS gene. It is expected to result in an absent or disrupted protein product. Loss-of-function variants in NAGS are known to be pathogenic (PMID: 12594532).

Literature cited by the submitters: PubMed 12594532.

NM_153006.3(NAGS):c.138del (p.Arg47fs)

Gene: NAGS (N-acetylglutamate synthase; plus strand). Cytogenetic location: 17q21.31.
Variant type: Deletion.
Coding change: c.138del on transcript NM_153006.3 (MANE Select); coding-DNA position 138, one base deleted (G; older notation c.138delG).
Protein change: p.Arg47fs; shifts the reading frame from arginine 47.
Molecular consequence: frameshift variant.
Genome position (GRCh38, 1-based): chr17:44,004,801, G deleted; the last of 4 consecutive G bases (chr17:44,004,798-44,004,801); deleting any one gives the same sequence. VCF-style (leftmost placement, unchanged base first): chr17-44004797-CG-C. GRCh37 (hg19) VCF-style: chr17-42082165-CG-C.
Other names: short protein forms R47fs.
Identifiers: ClinVar variation 1370381 (VCV001370381.6), dbSNP rs2143978844, ClinGen allele CA2573154095.